The following is an entry in ClinVar:

ClinVar aggregate classification (germline): Uncertain significance (1 of 4 stars; one submission).

Conditions:
Glycogen storage disease due to muscle and heart glycogen synthase deficiency. Also called: MUSCLE GLYCOGEN SYNTHASE DEFICIENCY; GSD 0b. Identifiers: Orphanet 137625, MedGen C1969054, MONDO:0012693, OMIM 611556.

Allele frequency attached by ClinVar (database versions not stated): gnomAD exomes below 0.00001 and 0.00001; gnomAD 0.00002; TOPMed 0.00003.
gnomAD v4.1: 11 of 1,613,864 alleles (0.00068%); highest among the groups gnomAD compares: Admixed American, 0.0033%; no homozygotes.

Submission:

Labcorp Genetics (formerly Invitae), Labcorp
Classification: Uncertain significance for Glycogen storage disease due to muscle and heart glycogen synthase deficiency. Last evaluated: 2021-12-21. Review status: criteria provided, single submitter. Criteria: Invitae Variant Classification Sherloc (09022015). Collection method: clinical testing. Allele origin: germline.
Comment: This sequence change replaces alanine, which is neutral and non-polar, with valine, which is neutral and non-polar, at codon 247 of the GYS1 protein (p.Ala247Val). This variant is present in population databases (no rsID available, gnomAD 0.0009%). This variant has not been reported in the literature in individuals affected with GYS1-related conditions. Algorithms developed to predict the effect of missense changes on protein structure and function are either unavailable or do not agree on the potential impact of this missense change (SIFT: "Deleterious"; PolyPhen-2: "Probably Damaging"; Align-GVGD: "Class C0"). In summary, the available evidence is currently insufficient to determine the role of this variant in disease. Therefore, it has been classified as a Variant of Uncertain Significance.

NM_002103.5(GYS1):c.740C>T (p.Ala247Val)

Gene: GYS1 (glycogen synthase 1; minus strand). Cytogenetic location: 19q13.33.
Variant type: single nucleotide variant.
Coding change: c.740C>T on transcript NM_002103.5 (MANE Select); coding-DNA position 740, C replaced by T.
Protein change: p.Ala247Val; replaces alanine 247 with valine.
Molecular consequence: missense variant. On other transcripts: non-coding transcript variant (1).
Genome position (GRCh38, 1-based): chr19:48,985,544, G>A on the plus strand (C>T on the coding strand, the complement: GYS1 is on the minus strand). VCF-style: chr19-48985544-G-A. GRCh37 (hg19) VCF-style: chr19-49488801-G-A.
Other names: c.548C>T, p.Ala183Val (NM_001161587.2); short protein forms A183V, A247V.
Identifiers: ClinVar variation 1411994 (VCV001411994.5), dbSNP rs1318179540, ClinGen allele CA406764684.